The following is an entry in ClinVar:

NM_001458.5(FLNC):c.2114A>C (p.Tyr705Ser)

Gene: FLNC (filamin C; plus strand). Cytogenetic location: 7q32.1.
Variant type: single nucleotide variant.
Coding change: c.2114A>C on transcript NM_001458.5 (MANE Select); coding-DNA position 2114, A replaced by C.
Protein change: p.Tyr705Ser; replaces tyrosine 705 with serine.
Molecular consequence: missense variant.
Genome position (GRCh38, 1-based): chr7:128,841,560, A>C. VCF-style: chr7-128841560-A-C. GRCh37 (hg19) VCF-style: chr7-128481614-A-C.
Other names: c.2114A>C, p.Tyr705Ser (NM_001127487.2); c.2114A>C (NM_001458.4); short protein forms Y705S.
Identifiers: ClinVar variation 1004413 (VCV001004413.10), dbSNP rs368473600, ClinGen allele CA4474589.

ClinVar aggregate classification (germline): Conflicting classifications of pathogenicity. Review status: criteria provided, conflicting classifications (1 of 4 stars). 2 submissions from 2 submitters: Uncertain significance (1); Likely benign (1). Last evaluated 2026-08-24.

Conditions:
Cardiovascular phenotype. Identifiers: MedGen CN230736.
Myofibrillar myopathy 5. Also called: Filaminopathy (type); FILAMINOPATHY, AUTOSOMAL DOMINANT. Identifiers: Orphanet 171445, MedGen C1836050, MONDO:0012289, OMIM 609524.
Distal myopathy with posterior leg and anterior hand involvement. Also called: WILLIAMS DISTAL MYOPATHY. Identifiers: Orphanet 63273, MedGen C3279722, MONDO:0013550, OMIM 614065.
Hypertrophic cardiomyopathy 26. Also called: Cardiomyopathy, familial hypertrophic, 26. Identifiers: Orphanet 75249, MedGen C4310749, MONDO:0014883, OMIM 617047.

Allele frequency attached by ClinVar (database versions not stated): gnomAD exomes below 0.00001; ExAC 0.00001; ESP Exome Variant Server 0.00008; gnomAD 0.00001.
gnomAD v4.1: 2 of 1,612,002 alleles (0.00012%); highest among the groups gnomAD compares: African/African-American, 0.0013%; no homozygotes.

Submissions (2):

Ambry Genetics
Classification: Uncertain significance for Cardiovascular phenotype. Last evaluated: 2026-08-24. Review status: criteria provided, single submitter. Criteria: Ambry Variant Classification Scheme 2023. Collection method: clinical testing. Allele origin: germline.
Comment: The p.Y705S variant (also known as c.2114A>C), located in coding exon 13 of the FLNC gene, results from an A to C substitution at nucleotide position 2114. The tyrosine at codon 705 is replaced by serine, an amino acid with dissimilar properties. This amino acid position is conserved. In addition, this alteration is predicted to be deleterious by in silico analysis. Based on the available evidence, the clinical significance of this variant remains unclear.

Labcorp Genetics (formerly Invitae), Labcorp
Classification: Likely benign for Distal myopathy with posterior leg and anterior hand involvement; Myofibrillar myopathy 5; Hypertrophic cardiomyopathy 26. Last evaluated: 2024-11-30. Review status: criteria provided, single submitter. Criteria: Invitae Variant Classification Sherloc (09022015). Collection method: clinical testing. Allele origin: germline.